The following is an entry in ClinVar:

NM_004304.5(ALK):c.1170G>C (p.Gln390His)

Gene: ALK (ALK receptor tyrosine kinase; minus strand). Cytogenetic location: 2p23.2.
Variant type: single nucleotide variant.
Coding change: c.1170G>C on transcript NM_004304.5 (MANE Select); coding-DNA position 1170, G replaced by C.
Protein change: p.Gln390His; replaces glutamine 390 with histidine.
Molecular consequence: missense variant.
Genome position (GRCh38, 1-based): chr2:29,383,844, C>G on the plus strand (G>C on the coding strand, the complement: ALK is on the minus strand). VCF-style: chr2-29383844-C-G. GRCh37 (hg19) VCF-style: chr2-29606710-C-G.
Other names: short protein forms Q390H.
Identifiers: ClinVar variation 3614211 (VCV003614211.2).
Genomic context (GRCh38, chr2:29,383,844, plus strand): 5'-TCCACTGGAGATGTATTCCAGGGCCACTCGAAATGGGTTGTCTGGACGCCCGATTCTTCC[C>G]TGGAGCACTGTCCAACTGGTTGCATTGGAAAACAGAGGAGAAAAGCATAGAGAAACAGAT-3'
Protein context (NP_004295.2, residues 380-400): TPGKHGWTVL[Gln390His]GRIGRPDNPF

ClinVar aggregate classification (germline): Uncertain significance (1 of 4 stars; one submission).

Conditions:
Neuroblastoma, susceptibility to, 3. Also called: ALK-Related Neuroblastic Tumor Susceptibility. Identifiers: Orphanet 635, MedGen C2751681, MONDO:0013083, OMIM 613014.

Submission:

Labcorp Genetics (formerly Invitae), Labcorp
Classification: Uncertain significance for Neuroblastoma, susceptibility to, 3. Last evaluated: 2024-06-15. Review status: criteria provided, single submitter. Criteria: Invitae Variant Classification Sherloc (09022015). Collection method: clinical testing. Allele origin: germline.
Comment: This sequence change replaces glutamine, which is neutral and polar, with histidine, which is basic and polar, at codon 390 of the ALK protein (p.Gln390His). This variant is not present in population databases (gnomAD no frequency). This variant has not been reported in the literature in individuals affected with ALK-related conditions. Algorithms developed to predict the effect of missense changes on protein structure and function output the following: SIFT: "Not Available"; PolyPhen-2: "Benign"; Align-GVGD: "Not Available". The histidine amino acid residue is found in multiple mammalian species, which suggests that this missense change does not adversely affect protein function. In summary, the available evidence is currently insufficient to determine the role of this variant in disease. Therefore, it has been classified as a Variant of Uncertain Significance.